The following is an entry in ClinVar:

NM_006230.4(POLD2):c.731C>A (p.Ala244Asp)

Gene: POLD2 (DNA polymerase delta 2, accessory subunit; minus strand). Cytogenetic location: 7p13.
Variant type: single nucleotide variant.
Coding change: c.731C>A on transcript NM_006230.4 (MANE Select); coding-DNA position 731, C replaced by A.
Protein change: p.Ala244Asp; replaces alanine 244 with aspartic acid.
Molecular consequence: missense variant.
Genome position (GRCh38, 1-based): chr7:44,116,866, G>T on the plus strand (C>A on the coding strand, the complement: POLD2 is on the minus strand). VCF-style: chr7-44116866-G-T. GRCh37 (hg19) VCF-style: chr7-44156465-G-T.
Other names: c.731C>A, p.Ala244Asp (NM_001127218.3, NM_001256879.2); short protein forms A244D.
Identifiers: ClinVar variation 2869594 (VCV002869594.3), dbSNP rs764532902, ClinGen allele CA367383781.
Genomic context (GRCh38, chr7:44,116,866, plus strand): 5'-GGGCTCCATACCTTATTGATAGAATCCCTGCTCTGGGTGCTGTGGCTGAGGAGGTTGCCA[G>T]CGAGGATAACCCGGGAGACGTGGGCGGCGCTGCACTGCTCCCCTTCGTCCCCAAGCTGCC-3'
Protein context (NP_006221.3, residues 234-254): SAAHVSRVIL[Ala244Asp]GNLLSHSTQS

ClinVar aggregate classification (germline): Uncertain significance (1 of 4 stars; one submission).

gnomAD v4.1: 2 of 1,614,008 alleles (0.00012%); highest among the groups gnomAD compares: Non-Finnish European, 0.00017%; no homozygotes.

Submission:

Labcorp Genetics (formerly Invitae), Labcorp
Classification: Uncertain significance. Last evaluated: 2024-04-18. Review status: criteria provided, single submitter. Criteria: Invitae Variant Classification Sherloc (09022015). Collection method: clinical testing. Allele origin: germline.
Comment: This sequence change replaces alanine, which is neutral and non-polar, with aspartic acid, which is acidic and polar, at codon 279 of the POLD2 protein (p.Ala279Asp). This variant is not present in population databases (gnomAD no frequency). This variant has not been reported in the literature in individuals affected with POLD2-related conditions. Experimental studies and prediction algorithms are not available or were not evaluated, and the functional significance of this variant is currently unknown. In summary, the available evidence is currently insufficient to determine the role of this variant in disease. Therefore, it has been classified as a Variant of Uncertain Significance.